The following is an entry in ClinVar:

NM_000051.4(ATM):c.4228A>C (p.Lys1410Gln)

Gene: ATM (ATM serine/threonine kinase; plus strand). Cytogenetic location: 11q22.3.
Variant type: single nucleotide variant.
Coding change: c.4228A>C on transcript NM_000051.4 (MANE Select); coding-DNA position 4228, A replaced by C.
Protein change: p.Lys1410Gln; replaces lysine 1410 with glutamine.
Molecular consequence: missense variant.
Genome position (GRCh38, 1-based): chr11:108,289,095, A>C. VCF-style: chr11-108289095-A-C. GRCh37 (hg19) VCF-style: chr11-108159822-A-C.
Other names: c.4228A>C, p.Lys1410Gln (NM_001351834.2); short protein forms K1410Q.
Identifiers: ClinVar variation 4739094 (VCV004739094.1).

ClinVar aggregate classification (germline): Uncertain significance (1 of 4 stars; one submission).

Conditions:
Ataxia-telangiectasia syndrome (AT). Also called: Cerebello-oculocutaneous telangiectasia; Immunodeficiency with ataxia telangiectasia; Ataxia-telangiectasia, complementation group E; LOUIS-BAR SYNDROME; AT, COMPLEMENTATION GROUP C; ATAXIA-TELANGIECTASIA, COMPLEMENTATION GROUP A. Identifiers: Orphanet 100, MedGen C0004135, MONDO:0008840, OMIM 208900.

Submission:

Labcorp Genetics (formerly Invitae), Labcorp
Classification: Uncertain significance for Ataxia-telangiectasia syndrome. Last evaluated: 2025-06-23. Review status: criteria provided, single submitter. Criteria: Invitae Variant Classification Sherloc (09022015). Collection method: clinical testing. Allele origin: germline.
Comment: This sequence change replaces lysine, which is basic and polar, with glutamine, which is neutral and polar, at codon 1410 of the ATM protein (p.Lys1410Gln). This variant is not present in population databases (gnomAD no frequency). This missense change has been observed in individual(s) with ATM-related conditions (PMID: 30287823). Invitae Evidence Modeling of protein sequence and biophysical properties (such as structural, functional, and spatial information, amino acid conservation, physicochemical variation, residue mobility, and thermodynamic stability) has been performed for this missense variant. However, the output from this modeling did not meet the statistical confidence thresholds required to predict the impact of this variant on ATM protein function. In summary, the available evidence is currently insufficient to determine the role of this variant in disease. Therefore, it has been classified as a Variant of Uncertain Significance.

Literature cited by the submitters: PubMed 30287823.